The following is an entry in ClinVar:

ClinVar aggregate classification (germline): Uncertain significance (1 of 4 stars; one submission).

Conditions:
POLD1-related polyposis and colorectal cancer syndrome (CRCS10). Also called: Colorectal cancer 10; COLORECTAL CANCER, SUSCEPTIBILITY TO, ON CHROMOSOME 19q; Colorectal cancer, susceptibility to, 10. Identifiers: Orphanet 220460, MedGen C2675481, MONDO:0012953, OMIM 612591.

Submission:

Labcorp Genetics (formerly Invitae), Labcorp
Classification: Uncertain significance for POLD1-related polyposis and colorectal cancer syndrome. Last evaluated: 2023-06-16. Review status: criteria provided, single submitter. Criteria: Invitae Variant Classification Sherloc (09022015). Collection method: clinical testing. Allele origin: unknown.
Comment: This variant results in the deletion of exons 23-24 and part of exons 22 and 25 (c.2814_3074del) of the POLD1 gene. This variant would be expected to be in-frame, preserving the integrity of the reading frame. In summary, the available evidence is currently insufficient to determine the role of this variant in disease. Therefore, it has been classified as a Variant of Uncertain Significance. Experimental studies and prediction algorithms are not available or were not evaluated, and the functional significance of this variant is currently unknown. This variant has not been reported in the literature in individuals affected with POLD1-related conditions.

NC_000019.9:g.(?_50919077)_(50920308_?)del

Gene: POLD1 (DNA polymerase delta 1, catalytic subunit; plus strand). Cytogenetic location: 19q13.33.
Variant type: Deletion.
Identifiers: ClinVar variation 3248476 (VCV003248476.1).